The following is an entry in ClinVar:

ClinVar aggregate classification (germline): Likely benign (1 of 4 stars; one submission).

Allele frequency attached by ClinVar (database versions not stated): gnomAD exomes 0.00097; ESP Exome Variant Server 0.00183; ExAC 0.00199; gnomAD 0.00225; 1000 Genomes Project 30x 0.00437; 1000 Genomes Project 0.00499.
gnomAD v4.1: 1,750 of 1,583,984 alleles (0.11%); highest among the groups gnomAD compares: South Asian, 0.64%; 151 homozygotes.

Submission:

CeGaT Center for Human Genetics Tuebingen
Classification: Likely benign. Last evaluated: 2026-01-01. Review status: criteria provided, single submitter. Criteria: CeGaT Center For Human Genetics Tuebingen Variant Classification Criteria Version 2. Collection method: clinical testing. Allele origin: germline. Affected: yes. Observed: 6 variant alleles.
Comment: AHNAK2: BP4, BP7, BS2

NM_138420.4(AHNAK2):c.4590C>T (p.Pro1530=)

Gene: AHNAK2 (AHNAK nucleoprotein 2; minus strand). Cytogenetic location: 14q32.33.
Variant type: single nucleotide variant.
Coding change: c.4590C>T on transcript NM_138420.4 (MANE Select); coding-DNA position 4590, C replaced by T.
Protein change: p.Pro1530=; no amino-acid change (proline 1530 retained).
Molecular consequence: synonymous variant.
Genome position (GRCh38, 1-based): chr14:104,950,861, G>A on the plus strand (C>T on the coding strand, the complement: AHNAK2 is on the minus strand). VCF-style: chr14-104950861-G-A. GRCh37 (hg19) VCF-style: chr14-105417198-G-A.
Other names: c.4290C>T, p.Pro1430= (NM_001350929.2).
Identifiers: ClinVar variation 2644823 (VCV002644823.24), dbSNP rs187764706, ClinGen allele CA7382343.